The following is an entry in ClinVar:

ClinVar aggregate classification (germline): Conflicting classifications of pathogenicity. Review status: criteria provided, conflicting classifications (1 of 4 stars). 4 submissions from 4 submitters: Uncertain significance (1); Likely benign (3). Last evaluated 2025-07-03.

Conditions:
Hereditary cancer-predisposing syndrome. Also called: Neoplastic Syndromes, Hereditary; Tumor predisposition; Hereditary neoplastic syndrome; Hereditary Cancer Syndrome. Identifiers: Orphanet 140162, MedGen C0027672, MeSH D009386, MONDO:0015356.
Hereditary breast ovarian cancer syndrome. Also called: Hereditary breast and ovarian cancer syndrome (HBOC); Hereditary breast and ovarian cancer; Hereditary breast and/or ovarian cancer syndrome; Hereditary breast and ovarian cancer syndrome; Breast and ovarian cancer; BRCA1- and BRCA2-Associated Hereditary Breast and Ovarian Cancer. Identifiers: Orphanet 145, MedGen C0677776, MeSH D061325, MONDO:0003582. Disease mechanism: loss of function.

Submissions (4):

Color Diagnostics, LLC DBA Color Health
Classification: Likely benign for Hereditary cancer-predisposing syndrome. Last evaluated: 2025-07-03. Review status: criteria provided, single submitter. Criteria: ACMG Guidelines, 2015. Collection method: clinical testing. Allele origin: germline.

Ambry Genetics
Classification: Likely benign for Hereditary cancer-predisposing syndrome. Last evaluated: 2025-02-05. Review status: criteria provided, single submitter. Criteria: Ambry Variant Classification Scheme 2023. Collection method: clinical testing. Allele origin: germline.

Labcorp Genetics (formerly Invitae), Labcorp
Classification: Uncertain significance for Hereditary breast ovarian cancer syndrome. Last evaluated: 2023-08-25. Review status: criteria provided, single submitter. Criteria: Invitae Variant Classification Sherloc (09022015). Collection method: clinical testing. Allele origin: germline.
Comment: This sequence change replaces glycine, which is neutral and non-polar, with arginine, which is basic and polar, at codon 813 of the BRCA1 protein (p.Gly813Arg). This variant is not present in population databases (gnomAD no frequency). This variant has not been reported in the literature in individuals affected with BRCA1-related conditions. ClinVar contains an entry for this variant (Variation ID: 566372). In summary, the available evidence is currently insufficient to determine the role of this variant in disease. Therefore, it has been classified as a Variant of Uncertain Significance. Advanced modeling of protein sequence and biophysical properties (such as structural, functional, and spatial information, amino acid conservation, physicochemical variation, residue mobility, and thermodynamic stability) performed at Invitae indicates that this missense variant is not expected to disrupt BRCA1 protein function.

University of Washington Department of Laboratory Medicine, University of Washington
Classification: Likely benign for Hereditary cancer-predisposing syndrome. Last evaluated: 2023-03-23. Review status: criteria provided, single submitter. Criteria: Dines et al. (Genet Med. 2020). Collection method: curation. Allele origin: germline.
Comment: Missense variant in a coldspot region where missense variants are very unlikely to be pathogenic (PMID:31911673).

BRCA1 coldspot (exon 11 using historical exon numbering). Reclassification based on statistical prior probability

Literature cited by the submitters: PubMed 32546644 (cited by Ambry Genetics).

NM_007294.4(BRCA1):c.2437G>A (p.Gly813Arg)

Gene: BRCA1 (BRCA1 DNA repair associated; minus strand). Cytogenetic location: 17q21.31.
Variant type: single nucleotide variant.
Coding change: c.2437G>A on transcript NM_007294.4 (MANE Select); coding-DNA position 2437, G replaced by A.
Protein change: p.Gly813Arg; replaces glycine 813 with arginine.
Molecular consequence: missense variant. On other transcripts: intron variant (137).
Genome position (GRCh38, 1-based): chr17:43,093,094, C>T on the plus strand (G>A on the coding strand, the complement: BRCA1 is on the minus strand). VCF-style: chr17-43093094-C-T. GRCh37 (hg19) VCF-style: chr17-41245111-C-T.
Other names: c.2437G>A, p.Gly813Arg (NM_001407639.1, NM_001407640.1, NM_001407641.1 and 30 more transcripts); c.586+1650G>A (NM_001408476.1, NM_001408474.1); c.709+1650G>A (NM_001408409.1, NM_001408414.1, NM_001408411.1 and 2 more transcripts); c.574+1650G>A (NM_001408493.1, NM_001408490.1, NM_001408491.1); c.454+1650G>A (NM_001408502.1); c.577+1650G>A (NM_001408489.1, NM_001408479.1, NM_001408482.1 and 9 more transcripts); c.2434G>A, p.Gly812Arg (NM_001407644.1, NM_001407645.1, NM_001407587.1 and 22 more transcripts); c.2428G>A, p.Gly810Arg (NM_001407646.1, NM_001407647.1); and 41 more; short protein forms G813R, G766R, G685R, G701R, G702R, G743R, G645R, G745R.
Identifiers: ClinVar variation 566372 (VCV000566372.16), dbSNP rs80357186, ClinGen allele CA10597135.
Genomic context (GRCh38, chr17:43,093,094, plus strand): 5'-ATGGATACTTAAAGCCTTCTGTGTCATTTCTATTATCTTTGGAACAACCATGAATTAGTC[C>T]CTTGGGGTTTTCAAATGCTGCACACTGACTCACACATTTATTTGGTTCTGTTTTTGCCTT-3'
Protein context (NP_009225.1, residues 803-823): SQCAAFENPK[Gly813Arg]LIHGCSKDNR